The following is an entry in ClinVar:

ClinVar aggregate classification (germline): Uncertain significance. Review status: criteria provided, multiple submitters, no conflicts (2 of 4 stars). 2 submissions from 2 submitters: Uncertain significance (2). Last evaluated 2024-04-23.

Conditions:
Paramyotonia congenita of Von Eulenburg. Also called: PARALYSIS PERIODICA PARAMYOTONICA; Paramyotonia Congenita; Eulenburg disease; Myotonia congenita intermittens; Von Eulenburg paramyotonia congenita. Identifiers: Orphanet 684, MedGen C0221055, MONDO:0008195, OMIM 168300. Disease mechanism: loss of function.
Congenital myasthenic syndrome 16. Identifiers: Orphanet 590, MedGen C3280112, MONDO:0013620, OMIM 614198.
Potassium-aggravated myotonia. Also called: MYOTONIA CONGENITA, ACETAZOLAMIDE-RESPONSIVE; MYOTONIA CONGENITA, ATYPICAL; SODIUM CHANNEL MUSCLE DISEASE; Myotonia congenita, atypical, acetazolamide-responsive. Identifiers: Orphanet 612, Orphanet 99734, Orphanet 99735, Orphanet 99736, MedGen C2931826, MONDO:0018959, OMIM 608390.
Hypokalemic periodic paralysis, type 2 (HOKPP2). Identifiers: Orphanet 681, MedGen C2750061, MONDO:0013234, OMIM 613345.
Hyperkalemic periodic paralysis. Also called: Familial hyperkalemic periodic paralysis; Gamstorp disease. Identifiers: Orphanet 682, MedGen C0238357, MONDO:0008224, OMIM 170500, HP:0007215.
Congenital myopathy 22A, classic (CMYO22A). Identifiers: MedGen C5830453, MONDO:0957247, OMIM 620351.
Congenital myopathy 22B, severe fetal (CMYO22B). Identifiers: MedGen C5830501, MONDO:0957265, OMIM 620369.

Allele frequency attached by ClinVar (database versions not stated): gnomAD 0.00001; gnomAD exomes 0.00001; ExAC 0.00001.
gnomAD v4.1: 4 of 1,603,666 alleles (0.00025%); highest among the groups gnomAD compares: Admixed American, 0.0068%; no homozygotes.

Submissions (2):

Fulgent Genetics
Classification: Uncertain significance for Paramyotonia congenita of Von Eulenburg; Hyperkalemic periodic paralysis; Potassium-aggravated myotonia; Hypokalemic periodic paralysis, type 2; Congenital myasthenic syndrome 16; Congenital myopathy 22A, classic; Congenital myopathy 22B, severe fetal. Last evaluated: 2024-04-23. Review status: criteria provided, single submitter. Criteria: ACMG Guidelines, 2015. Collection method: clinical testing. Allele origin: germline.

Labcorp Genetics (formerly Invitae), Labcorp
Classification: Uncertain significance for Hyperkalemic periodic paralysis. Last evaluated: 2023-08-04. Review status: criteria provided, single submitter. Criteria: Invitae Variant Classification Sherloc (09022015). Collection method: clinical testing. Allele origin: germline.
Comment: This variant is present in population databases (rs773666497, gnomAD 0.009%). This variant has not been reported in the literature in individuals affected with SCN4A-related conditions. ClinVar contains an entry for this variant (Variation ID: 1368549). Advanced modeling of protein sequence and biophysical properties (such as structural, functional, and spatial information, amino acid conservation, physicochemical variation, residue mobility, and thermodynamic stability) has been performed at Invitae for this missense variant, however the output from this modeling did not meet the statistical confidence thresholds required to predict the impact of this variant on SCN4A protein function. In summary, the available evidence is currently insufficient to determine the role of this variant in disease. Therefore, it has been classified as a Variant of Uncertain Significance. This sequence change replaces proline, which is neutral and non-polar, with histidine, which is basic and polar, at codon 1822 of the SCN4A protein (p.Pro1822His).

NM_000334.4(SCN4A):c.5465C>A (p.Pro1822His)

Genes: GH-LCR (growth hormone locus control region; plus strand), SCN4A (sodium voltage-gated channel alpha subunit 4; minus strand). Cytogenetic location: 17q23.3.
Variant type: single nucleotide variant.
Coding change: c.5465C>A on transcript NM_000334.4 (MANE Select); coding-DNA position 5465, C replaced by A.
Protein change: p.Pro1822His; replaces proline 1822 with histidine.
Molecular consequence: missense variant.
Genome position (GRCh38, 1-based): chr17:63,940,817, G>T on the plus strand (C>A on the coding strand, the complement: SCN4A is on the minus strand). VCF-style: chr17-63940817-G-T. GRCh37 (hg19) VCF-style: chr17-62018177-G-T.
Other names: short protein forms P1822H.
Identifiers: ClinVar variation 1368549 (VCV001368549.10), dbSNP rs773666497, ClinGen allele CA8708745.